The following is an entry in ClinVar:

ClinVar aggregate classification (germline): Benign/Likely benign. Review status: criteria provided, multiple submitters, no conflicts (2 of 4 stars). 3 submissions from 3 submitters: Benign (1); Likely benign (2). Last evaluated 2024-10-09.

Conditions:
Hereditary cancer-predisposing syndrome. Also called: Hereditary neoplastic syndrome; Hereditary Cancer Syndrome; Tumor predisposition; Neoplastic Syndromes, Hereditary. Identifiers: Orphanet 140162, MedGen C0027672, MeSH D009386, MONDO:0015356.
Hereditary diffuse gastric adenocarcinoma (HDGC). Also called: DIFFUSE GASTRIC AND LOBULAR BREAST CANCER SYNDROME. Identifiers: Orphanet 26106, MedGen C1708349, MONDO:0007648, OMIM 137215.

Submissions (3):

Myriad Genetics, Inc.
Classification: Benign for Hereditary diffuse gastric adenocarcinoma. Last evaluated: 2024-10-09. Review status: criteria provided, single submitter. Criteria: Myriad Autosomal Dominant, Autosomal Recessive and X-Linked Classification Criteria (2023). Collection method: clinical testing. Allele origin: unknown.
Comment: This variant is considered benign. This variant is a silent/synonymous amino acid change and it is not expected to impact splicing.

Labcorp Genetics (formerly Invitae), Labcorp
Classification: Likely benign. Last evaluated: 2022-02-24. Review status: criteria provided, single submitter. Criteria: Invitae Variant Classification Sherloc (09022015). Collection method: clinical testing. Allele origin: germline.

Ambry Genetics
Classification: Likely benign for Hereditary cancer-predisposing syndrome. Last evaluated: 2020-09-08. Review status: criteria provided, single submitter. Criteria: Ambry Variant Classification Scheme 2023. Collection method: clinical testing. Allele origin: germline.

NM_001903.5(CTNNA1):c.111A>G (p.Thr37=)

Gene: CTNNA1 (catenin alpha 1; plus strand). Cytogenetic location: 5q31.2.
Variant type: single nucleotide variant.
Coding change: c.111A>G on transcript NM_001903.5 (MANE Select); coding-DNA position 111, A replaced by G.
Protein change: p.Thr37=; no amino-acid change (threonine 37 retained).
Molecular consequence: synonymous variant. On other transcripts: 5 prime UTR variant (1), intron variant (1).
Genome position (GRCh38, 1-based): chr5:138,783,182, A>G. VCF-style: chr5-138783182-A-G. GRCh37 (hg19) VCF-style: chr5-138118871-A-G.
Other names: c.111A>G, p.Thr37= (NM_001290307.3, NM_001323982.2, NM_001323983.1 and 3 more transcripts); c.-96A>G (NM_001290310.3); c.-9+1153A>G (NM_001290309.3).
Identifiers: ClinVar variation 1663259 (VCV001663259.11), dbSNP rs2149655987, ClinGen allele CA446725051.